The following is an entry in ClinVar:

NM_000297.4(PKD2):c.313G>A (p.Gly105Arg)

Genes: PKD2 (polycystin 2, transient receptor potential cation channel; plus strand), LOC129992813 (ATAC-STARR-seq lymphoblastoid silent region 15559; plus strand). Cytogenetic location: 4q22.1.
Variant type: single nucleotide variant.
Coding change: c.313G>A on transcript NM_000297.4 (MANE Select); coding-DNA position 313, G replaced by A.
Protein change: p.Gly105Arg; replaces glycine 105 with arginine.
Molecular consequence: missense variant. On other transcripts: non-coding transcript variant (1).
Genome position (GRCh38, 1-based): chr4:88,008,046, G>A. VCF-style: chr4-88008046-G-A. GRCh37 (hg19) VCF-style: chr4-88929198-G-A.
Other names: short protein forms G105R.
Identifiers: ClinVar variation 3715468 (VCV003715468.2).
Genomic context (GRCh38, chr4:88,008,046, plus strand): 5'-CAGGCGTGGAGCCGCGATAACCCCGGCTTCGAGGCCGAGGAGGAGGAGGAGGAGGTGGAA[G>A]GGGAAGAAGGCGGAATGGTGGTGGAGATGGACGTAGAGTGGCGCCCGGGCAGCCGGAGGT-3'
Protein context (NP_000288.1, residues 95-115): EAEEEEEEVE[Gly105Arg]EEGGMVVEMD

ClinVar aggregate classification (germline): Uncertain significance (1 of 4 stars; one submission).

Conditions:
Autosomal dominant polycystic kidney disease. Identifiers: Orphanet 730, MedGen C0085413, MONDO:0004691.

gnomAD v4.1: 6 of 1,521,666 alleles (0.00039%); highest among the groups gnomAD compares: East Asian, 0.0025%; no homozygotes.

Submission:

Labcorp Genetics (formerly Invitae), Labcorp
Classification: Uncertain significance for Autosomal dominant polycystic kidney disease. Last evaluated: 2024-08-12. Review status: criteria provided, single submitter. Criteria: Invitae Variant Classification Sherloc (09022015). Collection method: clinical testing. Allele origin: germline.
Comment: This sequence change replaces glycine, which is neutral and non-polar, with arginine, which is basic and polar, at codon 105 of the PKD2 protein (p.Gly105Arg). The frequency data for this variant in the population databases is considered unreliable, as metrics indicate poor data quality at this position in the gnomAD database. This variant has not been reported in the literature in individuals affected with PKD2-related conditions. An algorithm developed to predict the effect of missense changes on protein structure and function (PolyPhen-2) suggests that this variant is likely to be disruptive. In summary, the available evidence is currently insufficient to determine the role of this variant in disease. Therefore, it has been classified as a Variant of Uncertain Significance.